The following is an entry in ClinVar:

ClinVar aggregate classification (germline): Likely benign. Review status: criteria provided, multiple submitters, no conflicts (2 of 4 stars). 2 submissions from 2 submitters: Likely benign (2). Last evaluated 2025-12-19.

Conditions:
AKR1D1-related disorder. Also called: AKR1D1-related condition.

Submissions (2):

Labcorp Genetics (formerly Invitae), Labcorp
Classification: Likely benign. Last evaluated: 2025-12-19. Review status: criteria provided, single submitter. Criteria: Invitae Variant Classification Sherloc (09022015). Collection method: clinical testing. Allele origin: germline.

PreventionGenetics, part of Exact Sciences
Classification: Likely benign for AKR1D1-related condition. Last evaluated: 2025-11-12. Review status: criteria provided, single submitter. Criteria: ACMG Guidelines, 2015. Collection method: clinical testing. Allele origin: germline.
Comment: This variant is classified as likely benign based on ACMG/AMP sequence variant interpretation guidelines (Richards et al. 2015 PMID: 25741868, with internal and published modifications).

NM_005989.4(AKR1D1):c.459G>A (p.Ala153=)

Gene: AKR1D1 (aldo-keto reductase family 1 member D1; plus strand). Cytogenetic location: 7q33.
Variant type: single nucleotide variant.
Coding change: c.459G>A on transcript NM_005989.4 (MANE Select); coding-DNA position 459, G replaced by A.
Protein change: p.Ala153=; no amino-acid change (alanine 153 retained).
Molecular consequence: synonymous variant. On other transcripts: intron variant (1).
Genome position (GRCh38, 1-based): chr7:138,105,309, G>A. VCF-style: chr7-138105309-G-A. GRCh37 (hg19) VCF-style: chr7-137790055-G-A.
Other names: c.459G>A (NM_005989.3); c.459G>A, p.Ala153= (NM_001190907.2); c.457-1299G>A (NM_001190906.2).
Identifiers: ClinVar variation 4781376 (VCV004781376.2).
Genomic context (GRCh38, chr7:138,105,309, plus strand): 5'-CATTCATTCTTGCTTCTTGTGAGGCTTGTTTGTTGACCTGTGGACATTTACTCTACAGGC[G>A]ATGGAAGCTTGCAAAGACGCTGGCTTGGTGAAATCCCTGGGAGTGTCCAATTTTAACCGC-3'
Protein context (NP_005980.1, residues 143-163): HKSNLCATWE[Ala153=]MEACKDAGLV